The following is an entry in ClinVar:

NM_001256071.3(RNF213):c.15075G>A (p.Leu5025=)

Genes: RNF213 (ring finger protein 213; plus strand), RNF213-AS1 (RNF213 antisense RNA 1; minus strand). Cytogenetic location: 17q25.3.
Variant type: single nucleotide variant.
Coding change: c.15075G>A on transcript NM_001256071.3 (MANE Select); coding-DNA position 15075, G replaced by A.
Protein change: p.Leu5025=; no amino-acid change (leucine 5025 retained).
Molecular consequence: synonymous variant.
Genome position (GRCh38, 1-based): chr17:80,389,247, G>A. VCF-style: chr17-80389247-G-A. GRCh37 (hg19) VCF-style: chr17-78363047-G-A.
Other names: c.15222G>A, p.Leu5074= (NM_001410195.1, NM_020914.5); c.15075G>A (NM_001256071.2).
Identifiers: ClinVar variation 2648428 (VCV002648428.27), dbSNP rs61745567, ClinGen allele CA8823192.

ClinVar aggregate classification (germline): Benign/Likely benign. Review status: criteria provided, multiple submitters, no conflicts (2 of 4 stars). 3 submissions from 3 submitters: Benign (1); Likely benign (1). 1 of the submissions does not count toward it. Last evaluated 2024-11-28.

Conditions:
RNF213-related disorder. Also called: RNF213-related condition.

Allele frequency attached by ClinVar (database versions not stated): 1000 Genomes Project 30x 0.00031; 1000 Genomes Project 0.00040; ESP Exome Variant Server 0.00069.
gnomAD v4.1: 258 of 1,614,258 alleles (0.016%); highest among the groups gnomAD compares: African/African-American, 0.31%; no homozygotes.

Submissions (3):

Labcorp Genetics (formerly Invitae), Labcorp
Classification: Benign. Last evaluated: 2024-11-28. Review status: criteria provided, single submitter. Criteria: Invitae Variant Classification Sherloc (09022015). Collection method: clinical testing. Allele origin: germline.

CeGaT Center for Human Genetics Tuebingen
Classification: Likely benign. Last evaluated: 2022-12-01. Review status: criteria provided, single submitter. Criteria: CeGaT Center For Human Genetics Tuebingen Variant Classification Criteria Version 2. Collection method: clinical testing. Allele origin: germline. Affected: yes. Observed: 1 variant allele.
Comment: RNF213: BP4, BP7

PreventionGenetics, part of Exact Sciences
Classification: Likely benign for RNF213-related condition. Last evaluated: 2019-02-22. Review status: no assertion criteria provided. Collection method: clinical testing. Allele origin: germline. Not counted in ClinVar's aggregate classification.
Comment: This variant is classified as likely benign based on ACMG/AMP sequence variant interpretation guidelines (Richards et al. 2015 PMID: 25741868, with internal and published modifications).